The following is an entry in ClinVar:

ClinVar aggregate classification (germline): Uncertain significance. Review status: criteria provided, multiple submitters, no conflicts (2 of 4 stars). 2 submissions from 2 submitters: Uncertain significance (2). Last evaluated 2025-10-21.

Conditions:
Inborn genetic diseases. Identifiers: MedGen C0950123, MeSH D030342.

Allele frequency attached by ClinVar (database versions not stated): gnomAD exomes 0.00002 and 0.00004; gnomAD 0.00003; TOPMed 0.00008; ExAC 0.00011; ESP Exome Variant Server 0.00012.
gnomAD v4.1: 27 of 1,600,346 alleles (0.0017%); highest among the groups gnomAD compares: Middle Eastern, 0.017%; no homozygotes.

Submissions (2):

Labcorp Genetics (formerly Invitae), Labcorp
Classification: Uncertain significance. Last evaluated: 2025-10-21. Review status: criteria provided, single submitter. Criteria: Invitae Variant Classification Sherloc (09022015). Collection method: clinical testing. Allele origin: germline.
Comment: This sequence change replaces arginine, which is basic and polar, with cysteine, which is neutral and slightly polar, at codon 513 of the VARS2 protein (p.Arg513Cys). The frequency data for this variant in the population databases is considered unreliable, as metrics indicate poor data quality at this position in the gnomAD database. This variant has not been reported in the literature in individuals affected with VARS2-related conditions. ClinVar contains an entry for this variant (Variation ID: 1435293). Invitae Evidence Modeling of protein sequence and biophysical properties (such as structural, functional, and spatial information, amino acid conservation, physicochemical variation, residue mobility, and thermodynamic stability) indicates that this missense variant is not expected to disrupt VARS2 protein function with a negative predictive value of 80%. In summary, the available evidence is currently insufficient to determine the role of this variant in disease. Therefore, it has been classified as a Variant of Uncertain Significance.

Ambry Genetics
Classification: Uncertain significance for Inborn genetic diseases. Last evaluated: 2024-05-01. Review status: criteria provided, single submitter. Criteria: Ambry Variant Classification Scheme 2023. Collection method: clinical testing. Allele origin: germline.

NM_020442.6(VARS2):c.1447C>T (p.Arg483Cys)

Gene: VARS2 (valyl-tRNA synthetase 2, mitochondrial; plus strand). Cytogenetic location: 6p21.33.
Variant type: single nucleotide variant.
Coding change: c.1447C>T on transcript NM_020442.6 (MANE Select); coding-DNA position 1447, C replaced by T.
Protein change: p.Arg483Cys; replaces arginine 483 with cysteine.
Molecular consequence: missense variant.
Genome position (GRCh38, 1-based): chr6:30,920,717, C>T. VCF-style: chr6-30920717-C-T. GRCh37 (hg19) VCF-style: chr6-30888494-C-T.
Other names: c.1027C>T, p.Arg343Cys (NM_001167733.3); c.1537C>T, p.Arg513Cys (NM_001167734.2); c.1537C>T (NM_001167734.1); short protein forms R513C, R483C, R343C.
Identifiers: ClinVar variation 1435293 (VCV001435293.7), dbSNP rs372098497, ClinGen allele CA3705909.